The following is an entry in ClinVar:

NM_145246.5(FRA10AC1):c.481C>T (p.Arg161Ter)

Gene: FRA10AC1 (FRA10A associated CGG repeat 1; minus strand). Cytogenetic location: 10q23.33.
Variant type: single nucleotide variant.
Coding change: c.481C>T on transcript NM_145246.5 (MANE Select); coding-DNA position 481, C replaced by T.
Protein change: p.Arg161Ter; replaces arginine 161 with a stop codon.
Molecular consequence: nonsense. On other transcripts: non-coding transcript variant (1).
Genome position (GRCh38, 1-based): chr10:93,687,434, G>A on the plus strand (C>T on the coding strand, the complement: FRA10AC1 is on the minus strand). VCF-style: chr10-93687434-G-A. GRCh37 (hg19) VCF-style: chr10-95447191-G-A.
Other names: NC_000010.10:g.95447191G>A; c.481C>T, p.Arg161Ter (NM_001347712.2, NM_001347713.2, NM_001347714.2 and 1 more transcripts); c.481C>T (NM_145246.4); short protein forms R161*.
Identifiers: ClinVar variation 1722518 (VCV001722518.6), dbSNP rs199549545, ClinGen allele CA5610787.

ClinVar aggregate classification (germline): Pathogenic. Review status: criteria provided, multiple submitters, no conflicts (2 of 4 stars). 4 submissions from 4 submitters: Pathogenic (3). 1 of the submissions does not count toward it. Last evaluated 2025-04-24.

Conditions:
Neurodevelopmental disorder with growth retardation, dysmorphic facies, and corpus callosum abnormalities. Identifiers: MedGen C5774251, MONDO:0859312, OMIM 620113.

Allele frequency attached by ClinVar (database versions not stated): ExAC 0.00003; gnomAD 0.00005; TOPMed 0.00007; ESP Exome Variant Server 0.00008.
gnomAD v4.1: 103 of 1,505,088 alleles (0.0068%); highest among the groups gnomAD compares: Non-Finnish European, 0.0079%; no homozygotes.

Submissions (5):

GeneDx
Classification: Pathogenic. Last evaluated: 2025-04-24. Review status: criteria provided, single submitter. Criteria: GeneDx Variant Classification Process June 2021. Collection method: clinical testing. Allele origin: germline. Affected: yes.
Comment: Nonsense variant predicted to result in protein truncation or nonsense mediated decay in a gene for which loss of function is a known mechanism of disease; This variant is associated with the following publications: (PMID: 37644014, 35821753)

Institute of Human Genetics, University of Leipzig Medical Center
Classification: Pathogenic for Neurodevelopmental disorder with growth retardation, dysmorphic facies, and corpus callosum abnormalities. Last evaluated: 2024-08-14. Review status: criteria provided, single submitter. Criteria: ACMG Guidelines, 2015. Collection method: clinical testing. Allele origin: inherited. Inheritance: Autosomal recessive inheritance. Affected: yes.
Comment: Criteria applied: PVS1,PM3,PM2_SUP

Medical Genetics, Taibah University College of Applied Medical Sciences
Classification: Pathogenic. Review status: criteria provided, single submitter. Criteria: ACMG Guidelines, 2015. Collection method: clinical testing. Allele origin: germline. Inheritance: Autosomal recessive inheritance. Affected: yes. Observed: 1 homozygote.

OMIM
Classification: Pathogenic for NEURODEVELOPMENTAL DISORDER WITH GROWTH RETARDATION, DYSMORPHIC FACIES, AND CORPUS CALLOSUM ABNORMALITIES. Last evaluated: 2022-11-04. Review status: no assertion criteria provided. Collection method: literature only. Allele origin: germline. Not counted in ClinVar's aggregate classification.

Dr. Peter K. Rogan Lab, Western University
No classification provided (evidence only). Condition: Acute myeloid leukemia. Review status: no classification provided. Collection method: in vitro. Allele origin: not applicable. Functional consequence: retained intron. Not counted in ClinVar's aggregate classification.

Literature cited by the submitters: PubMed 35821753 (cited by Medical Genetics, Taibah University College of Applied Medical Sciences and OMIM).